The following is an entry in ClinVar:

ClinVar aggregate classification (germline): Conflicting classifications of pathogenicity. Review status: criteria provided, conflicting classifications (1 of 4 stars). 2 submissions from 2 submitters: Uncertain significance (1); Likely benign (1). Last evaluated 2025-10-30.

Conditions:
Osteogenesis imperfecta type I (OI1). Also called: OI, TYPE I; OSTEOGENESIS IMPERFECTA TARDA; OSTEOGENESIS IMPERFECTA WITH BLUE SCLERAE; Osteogenesis imperfecta type 1; Classic Non-deforming Osteogenesis Imperfecta with Blue Sclerae; Lobstein's Disease. Identifiers: Orphanet 216796, Orphanet 666, MedGen C0023931, MONDO:0008146, OMIM 166200. Disease mechanism: loss of function.

Submissions (2):

Labcorp Genetics (formerly Invitae), Labcorp
Classification: Likely benign for Osteogenesis imperfecta type I. Last evaluated: 2025-10-30. Review status: criteria provided, single submitter. Criteria: Invitae Variant Classification Sherloc (09022015). Collection method: clinical testing. Allele origin: germline.

Women's Health and Genetics/Laboratory Corporation of America, LabCorp
Classification: Uncertain significance. Last evaluated: 2025-06-10. Review status: criteria provided, single submitter. Criteria: LabCorp Variant Classification Summary - May 2015. Collection method: clinical testing. Allele origin: germline.
Comment: Variant summary: COL1A1 c.1932T>G (p.Gly644Gly) alters a conserved nucleotide located close to a canonical splice site and therefore could affect mRNA splicing, leading to a significantly altered protein sequence. Consensus agreement among computation tools predict no significant impact on normal splicing. However, these predictions have yet to be confirmed by functional studies. The variant was absent in 251048 control chromosomes. The available data on variant occurrences in the general population are insufficient to allow any conclusion about variant significance. To our knowledge, no occurrence of c.1932T>G in individuals affected with Osteogenesis imperfecta type I and no experimental evidence demonstrating its impact on protein function have been reported. No submitters have cited clinical-significance assessments for this variant to ClinVar. Based on the evidence outlined above, the variant was classified as uncertain significance.

NM_000088.4(COL1A1):c.1932T>G (p.Gly644=)

Gene: COL1A1 (collagen type I alpha 1 chain; minus strand). Cytogenetic location: 17q21.33.
Variant type: single nucleotide variant.
Coding change: c.1932T>G on transcript NM_000088.4 (MANE Select); coding-DNA position 1932, T replaced by G.
Protein change: p.Gly644=; no amino-acid change (glycine 644 retained).
Molecular consequence: synonymous variant.
Genome position (GRCh38, 1-based): chr17:50,192,526, A>C on the plus strand (T>G on the coding strand, the complement: COL1A1 is on the minus strand). VCF-style: chr17-50192526-A-C. GRCh37 (hg19) VCF-style: chr17-48269887-A-C.
Identifiers: ClinVar variation 3907262 (VCV003907262.2).